The following is an entry in ClinVar:

NM_001270508.2(TNFAIP3):c.187A>G (p.Ile63Val)

Gene: TNFAIP3 (TNF alpha induced protein 3; plus strand). Cytogenetic location: 6q23.3.
Variant type: single nucleotide variant.
Coding change: c.187A>G on transcript NM_001270508.2 (MANE Select); coding-DNA position 187, A replaced by G.
Protein change: p.Ile63Val; replaces isoleucine 63 with valine.
Molecular consequence: missense variant.
Genome position (GRCh38, 1-based): chr6:137,871,414, A>G. VCF-style: chr6-137871414-A-G. GRCh37 (hg19) VCF-style: chr6-138192551-A-G.
Other names: c.187A>G, p.Ile63Val (NM_001270507.2, NM_006290.4); short protein forms I63V.
Identifiers: ClinVar variation 2768547 (VCV002768547.3), dbSNP rs1776057762, ClinGen allele CA365780587.
Genomic context (GRCh38, chr6:137,871,414, plus strand): 5'-ATGCACCGATACACACTGGAAATGTTCAGAACTTGCCAGTTTTGTCCTCAGTTTCGGGAG[A>G]TCATCCACAAAGCCCTCATCGACAGAAACATCCAGGCCACCCTGGAAAGCCAGAAGAAAC-3'
Protein context (NP_001257437.1, residues 53-73): TCQFCPQFRE[Ile63Val]IHKALIDRNI

ClinVar aggregate classification (germline): Uncertain significance (1 of 4 stars; one submission).

Allele frequency attached by ClinVar (database versions not stated): TOPMed below 0.00001.

Submission:

Labcorp Genetics (formerly Invitae), Labcorp
Classification: Uncertain significance. Last evaluated: 2025-11-03. Review status: criteria provided, single submitter. Criteria: Invitae Variant Classification Sherloc (09022015). Collection method: clinical testing. Allele origin: germline.
Comment: This sequence change replaces isoleucine, which is neutral and non-polar, with valine, which is neutral and non-polar, at codon 63 of the TNFAIP3 protein (p.Ile63Val). This variant is not present in population databases (gnomAD no frequency). This variant has not been reported in the literature in individuals affected with TNFAIP3-related conditions. ClinVar contains an entry for this variant (Variation ID: 2768547). Invitae Evidence Modeling of protein sequence and biophysical properties (such as structural, functional, and spatial information, amino acid conservation, physicochemical variation, residue mobility, and thermodynamic stability) indicates that this missense variant is not expected to disrupt TNFAIP3 protein function with a negative predictive value of 80%. In summary, the available evidence is currently insufficient to determine the role of this variant in disease. Therefore, it has been classified as a Variant of Uncertain Significance.